The following is an entry in ClinVar:

ClinVar aggregate classification (germline): Uncertain significance (1 of 4 stars; one submission).

Conditions:
Malignant hyperthermia, susceptibility to, 1 (MHS1). Also called: Anesthesia related hyperthermia; Malignant hyperpyrexia; Fulminating hyperpyrexia; Pharmacogenic myopathy; RYR1-Related Malignant Hyperthermia Susceptibility; Malignant hyperthermia suceptibility 1. Identifiers: Orphanet 423, MedGen C2930980, MONDO:0007783, OMIM 145600.

Submission:

All of Us Research Program, National Institutes of Health
Classification: Uncertain significance for Malignant hyperthermia, susceptibility to, 1. Last evaluated: 2024-01-03. Review status: criteria provided, single submitter. Criteria: ACMG Guidelines, 2015. Collection method: clinical testing. Allele origin: germline. Inheritance: Autosomal dominant inheritance. Observed: 1 variant allele, 1 heterozygote.
Comment: This missense variant replaces glycine with tryptophan at codon 3255 of the RYR1 protein. Computational prediction is inconclusive regarding the impact of this variant on protein structure and function (internally defined REVEL score threshold 0.5 < inconclusive < 0.7, PMID: 27666373). To our knowledge, functional studies have not been reported for this variant. This variant has not been reported in individuals affected with RYR1-related disorders in the literature. This variant has not been identified in the general population by the Genome Aggregation Database (gnomAD). The available evidence is insufficient to determine the role of this variant in disease conclusively. Therefore, this variant is classified as a Variant of Uncertain Significance.

This study involves interpretation of variants in research participants for the purpose of population health screening. Participant phenotype was not available at the time of variant classification. Additional details can be found in publication PMID: 35346344, PMCID: PMC8962531

NM_000540.3(RYR1):c.9763G>T (p.Gly3255Trp)

Gene: RYR1 (ryanodine receptor 1; plus strand). Cytogenetic location: 19q13.2.
Variant type: single nucleotide variant.
Coding change: c.9763G>T on transcript NM_000540.3 (MANE Select); coding-DNA position 9763, G replaced by T.
Protein change: p.Gly3255Trp; replaces glycine 3255 with tryptophan.
Molecular consequence: missense variant.
Genome position (GRCh38, 1-based): chr19:38,517,436, G>T. VCF-style: chr19-38517436-G-T. GRCh37 (hg19) VCF-style: chr19-39008076-G-T.
Other names: c.9763G>T, p.Gly3255Trp (NM_001042723.2); short protein forms G3255W.
Identifiers: ClinVar variation 3075235 (VCV003075235.1), dbSNP rs2514432829, ClinGen allele CA405691885.
Genomic context (GRCh38, chr19:38,517,436, plus strand): 5'-AGTGTGGAGGAGATGTGTCCCGACATCCCGGTGCTGGAGCGGCTCATGGCAGACATTGGG[G>T]GGCTGGCCGAGTCAGGTGCCCGCTACACAGAGATGCCGCATGTCATCGAGATCACGCTGC-3'
Protein context (NP_000531.2, residues 3245-3265): VLERLMADIG[Gly3255Trp]LAESGARYTE